The following is an entry in ClinVar:

NM_001037.5(SCN1B):c.448+159C>T

Gene: SCN1B (sodium voltage-gated channel beta subunit 1; plus strand). Cytogenetic location: 19q13.11.
Variant type: single nucleotide variant.
Coding change: c.448+159C>T on transcript NM_001037.5 (MANE Select); 159 bases into the intron after coding-DNA position 448, C replaced by T.
Molecular consequence: intron variant. On other transcripts: missense variant (1).
Genome position (GRCh38, 1-based): chr19:35,033,898, C>T. VCF-style: chr19-35033898-C-T. GRCh37 (hg19) VCF-style: chr19-35524802-C-T.
Other names: c.607C>T, p.Leu203Phe (NM_199037.5); c.349+159C>T (NM_001321605.2); short protein forms L203F.
Identifiers: ClinVar variation 1522217 (VCV001522217.6), dbSNP rs774036126, ClinGen allele CA9372043.
Genomic context (GRCh38, chr19:35,033,898, plus strand): 5'-TGGCCAGCCAACCGCCCACAGCAGCGGGCTGAGGGGGAGGGGAGCAGCCCCTCCTGCCCA[C>T]TCCAGCTCTGGCCTCTGTTTCTCTCCAGCCCACGGAGAGGTCAAAGCATGCCTGTCCCCC-3'

ClinVar aggregate classification (germline): Uncertain significance. Review status: criteria provided, multiple submitters, no conflicts (2 of 4 stars). 2 submissions from 2 submitters: Uncertain significance (2). Last evaluated 2024-02-24.

Conditions:
Brugada syndrome 5 (BRGDA5). Identifiers: Orphanet 130, Orphanet 871, MedGen C2748541, MONDO:0013015, OMIM 612838.

Allele frequency attached by ClinVar (database versions not stated): gnomAD 0.00002; gnomAD exomes 0.00003 and 0.00004; TOPMed 0.00003; ExAC 0.00004.
gnomAD v4.1: 48 of 1,589,108 alleles (0.003%); highest among the groups gnomAD compares: South Asian, 0.02%; no homozygotes.

Submissions (2):

Labcorp Genetics (formerly Invitae), Labcorp
Classification: Uncertain significance for Brugada syndrome 5. Last evaluated: 2024-02-24. Review status: criteria provided, single submitter. Criteria: Invitae Variant Classification Sherloc (09022015). Collection method: clinical testing. Allele origin: germline.
Comment: This sequence change replaces leucine, which is neutral and non-polar, with phenylalanine, which is neutral and non-polar, at codon 203 of the SCN1B protein (p.Leu203Phe). This variant is present in population databases (rs774036126, gnomAD 0.03%). This variant has not been reported in the literature in individuals affected with SCN1B-related conditions. ClinVar contains an entry for this variant (Variation ID: 1522217). Algorithms developed to predict the effect of missense changes on protein structure and function output the following: SIFT: "Not Available"; PolyPhen-2: "Benign"; Align-GVGD: "Not Available". The phenylalanine amino acid residue is found in multiple mammalian species, which suggests that this missense change does not adversely affect protein function. In summary, the available evidence is currently insufficient to determine the role of this variant in disease. Therefore, it has been classified as a Variant of Uncertain Significance.

GeneDx
Classification: Uncertain significance. Last evaluated: 2023-05-03. Review status: criteria provided, single submitter. Criteria: GeneDx Variant Classification Process June 2021. Collection method: clinical testing. Allele origin: germline. Affected: yes.
Comment: In silico analysis supports that this missense variant does not alter protein structure/function; Has not been previously published as pathogenic or benign to our knowledge; Reported using an alternate transcript of the gene